The following is an entry in ClinVar:

NM_004727.3(SLC24A1):c.939G>A (p.Leu313=)

Gene: SLC24A1 (solute carrier family 24 member 1; plus strand). Cytogenetic location: 15q22.31.
Variant type: single nucleotide variant.
Coding change: c.939G>A on transcript NM_004727.3 (MANE Select); coding-DNA position 939, G replaced by A.
Protein change: p.Leu313=; no amino-acid change (leucine 313 retained).
Molecular consequence: synonymous variant.
Genome position (GRCh38, 1-based): chr15:65,625,019, G>A. VCF-style: chr15-65625019-G-A. GRCh37 (hg19) VCF-style: chr15-65917357-G-A.
Other names: c.939G>A (NM_004727.2); c.939G>A, p.Leu313= (NM_001301031.1, NM_001301032.1, NM_001301033.2).
Identifiers: ClinVar variation 1168047 (VCV001168047.13), dbSNP rs150786832, ClinGen allele CA7619825.
Genomic context (GRCh38, chr15:65,625,019, plus strand): 5'-CCATCCCTGGGGGTTAGTGGGAAAGAGCAACCCGAAGACTCCCCAGGGAACAGTCCTGTT[G>A]CATACCCCAGCCACCTCTGAGGGGCAGGTGACAATAAGCACCATGACAGGCAGCAGCCCA-3'
Protein context (NP_004718.1, residues 303-323): NPKTPQGTVL[Leu313=]HTPATSEGQV

ClinVar aggregate classification (germline): Benign/Likely benign. Review status: criteria provided, multiple submitters, no conflicts (2 of 4 stars). 4 submissions from 4 submitters: Benign (2); Likely benign (1). 1 of the submissions does not count toward it. Last evaluated 2025-12-22.

Conditions:
SLC24A1-related disorder. Also called: SLC24A1-related condition.

Allele frequency attached by ClinVar (database versions not stated): gnomAD exomes 0.00017 and 0.00048; ExAC 0.00059; gnomAD 0.00196 and 0.00213; 1000 Genomes Project 0.00200; 1000 Genomes Project 30x 0.00203; TOPMed 0.00214; ESP Exome Variant Server 0.00246.
gnomAD v4.1: 547 of 1,613,170 alleles (0.034%); highest among the groups gnomAD compares: African/African-American, 0.68%; 2 homozygotes.

Submissions (4):

Labcorp Genetics (formerly Invitae), Labcorp
Classification: Benign. Last evaluated: 2025-12-22. Review status: criteria provided, single submitter. Criteria: Invitae Variant Classification Sherloc (09022015). Collection method: clinical testing. Allele origin: germline.

Blueprint Genetics
Classification: Likely benign. Last evaluated: 2024-10-16. Review status: criteria provided, single submitter. Criteria: ACMG Guidelines, 2015. Collection method: clinical testing. Allele origin: germline.

Breakthrough Genomics
Classification: Benign. Review status: criteria provided, single submitter. Criteria: ACMG Guidelines, 2015. Collection method: not provided. Allele origin: germline. Inheritance: Autosomal recessive inheritance. Affected: yes.

PreventionGenetics, part of Exact Sciences
Classification: Likely benign for SLC24A1-related condition. Last evaluated: 2019-06-26. Review status: no assertion criteria provided. Collection method: clinical testing. Allele origin: germline. Not counted in ClinVar's aggregate classification.
Comment: This variant is classified as likely benign based on ACMG/AMP sequence variant interpretation guidelines (Richards et al. 2015 PMID: 25741868, with internal and published modifications).